The following is an entry in ClinVar:

NM_001297.5(CNGB1):c.2634+5C>T

Gene: CNGB1 (cyclic nucleotide gated channel subunit beta 1; minus strand). Cytogenetic location: 16q21.
Variant type: single nucleotide variant.
Coding change: c.2634+5C>T on transcript NM_001297.5 (MANE Select); 5 bases into the intron after coding-DNA position 2634, C replaced by T.
Molecular consequence: intron variant.
Genome position (GRCh38, 1-based): chr16:57,904,729, G>A on the plus strand (C>T on the coding strand, the complement: CNGB1 is on the minus strand). VCF-style: chr16-57904729-G-A. GRCh37 (hg19) VCF-style: chr16-57938633-G-A.
Other names: c.2616+5C>T (NM_001286130.2).
Identifiers: ClinVar variation 886166 (VCV000886166.12), dbSNP rs372812881, ClinGen allele CA8082909.

ClinVar aggregate classification (germline): Conflicting classifications of pathogenicity. Review status: criteria provided, conflicting classifications (1 of 4 stars). 5 submissions from 5 submitters: Uncertain significance (3); Likely benign (2). Last evaluated 2025-10-02.

Conditions:
CNGB1-related disorder. Also called: CNGB1-related condition.
Retinitis pigmentosa (RP). Identifiers: Orphanet 791, MedGen C0035334, MeSH D012174, MONDO:0019200, OMIM 268000. Inheritance: Autosomal dominant, autosomal recessive and X linked inheritance.

Allele frequency attached by ClinVar (database versions not stated): TOPMed 0.00006; ExAC 0.00013; ESP Exome Variant Server 0.00017; 1000 Genomes Project 0.00020; 1000 Genomes Project 30x 0.00062.
gnomAD v4.1: 132 of 1,614,040 alleles (0.0082%); highest among the groups gnomAD compares: South Asian, 0.037%; 1 homozygote.

Submissions (5):

PreventionGenetics, part of Exact Sciences
Classification: Likely benign for CNGB1-related condition. Last evaluated: 2025-10-02. Review status: criteria provided, single submitter. Criteria: ACMG Guidelines, 2015. Collection method: clinical testing. Allele origin: germline.
Comment: This variant is classified as likely benign based on ACMG/AMP sequence variant interpretation guidelines (Richards et al. 2015 PMID: 25741868, with internal and published modifications).

Women's Health and Genetics/Laboratory Corporation of America, LabCorp
Classification: Uncertain significance. Last evaluated: 2025-02-19. Review status: criteria provided, single submitter. Criteria: LabCorp Variant Classification Summary - May 2015. Collection method: clinical testing. Allele origin: germline.

Blueprint Genetics
Classification: Likely benign. Last evaluated: 2024-02-14. Review status: criteria provided, single submitter. Criteria: ACMG Guidelines, 2015. Collection method: clinical testing. Allele origin: germline.

Labcorp Genetics (formerly Invitae), Labcorp
Classification: Uncertain significance. Last evaluated: 2023-10-13. Review status: criteria provided, single submitter. Criteria: Invitae Variant Classification Sherloc (09022015). Collection method: clinical testing. Allele origin: germline.
Comment: This sequence change falls in intron 26 of the CNGB1 gene. It does not directly change the encoded amino acid sequence of the CNGB1 protein. It affects a nucleotide within the consensus splice site. This variant is present in population databases (rs372812881, gnomAD 0.1%). This variant has not been reported in the literature in individuals affected with CNGB1-related conditions. ClinVar contains an entry for this variant (Variation ID: 886166). Variants that disrupt the consensus splice site are a relatively common cause of aberrant splicing (PMID: 17576681, 9536098). Algorithms developed to predict the effect of sequence changes on RNA splicing suggest that this variant is not likely to affect RNA splicing. In summary, the available evidence is currently insufficient to determine the role of this variant in disease. Therefore, it has been classified as a Variant of Uncertain Significance.

Illumina Laboratory Services, Illumina
Classification: Uncertain significance for Retinitis pigmentosa. Last evaluated: 2018-01-13. Review status: criteria provided, single submitter. Criteria: ICSL Variant Classification Criteria 13 December 2019. Collection method: clinical testing. Allele origin: germline.

Literature cited by the submitters: PubMed 17576681 (cited by Labcorp Genetics (formerly Invitae), Labcorp); PubMed 9536098 (cited by Labcorp Genetics (formerly Invitae), Labcorp).